The following is an entry in ClinVar:

NM_001060.6(TBXA2R):c.1010C>T (p.Thr337Met)

Gene: TBXA2R (thromboxane A2 receptor; minus strand). Cytogenetic location: 19p13.3.
Variant type: single nucleotide variant.
Coding change: c.1010C>T on transcript NM_001060.6 (MANE Select); coding-DNA position 1010, C replaced by T.
Protein change: p.Thr337Met; replaces threonine 337 with methionine.
Molecular consequence: missense variant. On other transcripts: intron variant (1).
Genome position (GRCh38, 1-based): chr19:3,595,710, G>A on the plus strand (C>T on the coding strand, the complement: TBXA2R is on the minus strand). VCF-style: chr19-3595710-G-A. GRCh37 (hg19) VCF-style: chr19-3595708-G-A.
Other names: c.983+27C>T (NM_201636.3); short protein forms T337M.
Identifiers: ClinVar variation 1951624 (VCV001951624.5), dbSNP rs199982258, ClinGen allele CA304367885.

ClinVar aggregate classification (germline): Uncertain significance (1 of 4 stars; one submission).

Allele frequency attached by ClinVar (database versions not stated): gnomAD 0.00001; gnomAD exomes 0.00001; TOPMed 0.00002; ESP Exome Variant Server 0.00008.

Submission:

Labcorp Genetics (formerly Invitae), Labcorp
Classification: Uncertain significance. Last evaluated: 2024-09-20. Review status: criteria provided, single submitter. Criteria: Invitae Variant Classification Sherloc (09022015). Collection method: clinical testing. Allele origin: germline.
Comment: This sequence change replaces threonine, which is neutral and polar, with methionine, which is neutral and non-polar, at codon 337 of the TBXA2R protein (p.Thr337Met). This variant is not present in population databases (gnomAD no frequency). This variant has not been reported in the literature in individuals affected with TBXA2R-related conditions. ClinVar contains an entry for this variant (Variation ID: 1951624). An algorithm developed to predict the effect of missense changes on protein structure and function (PolyPhen-2) suggests that this variant is likely to be tolerated. In summary, the available evidence is currently insufficient to determine the role of this variant in disease. Therefore, it has been classified as a Variant of Uncertain Significance.